The following is an entry in ClinVar:

NM_004211.5(SLC6A5):c.323del (p.Pro108fs)

Gene: SLC6A5 (solute carrier family 6 member 5; plus strand). Cytogenetic location: 11p15.1.
Variant type: Deletion.
Coding change: c.323del on transcript NM_004211.5 (MANE Select); coding-DNA position 323, one base deleted (C; older notation c.323delC).
Protein change: p.Pro108fs; shifts the reading frame from proline 108.
Molecular consequence: frameshift variant. On other transcripts: 5 prime UTR variant (1).
Genome position (GRCh38, 1-based): chr11:20,601,448, C deleted; the last of 5 consecutive C bases (chr11:20,601,444-20,601,448); deleting any one gives the same sequence. VCF-style (leftmost placement, unchanged base first): chr11-20601443-GC-G. GRCh37 (hg19) VCF-style: chr11-20622989-GC-G.
Other names: delC{319-324}; c.-241del (NM_001318369.2); short protein forms P108fs.
Identifiers: ClinVar variation 38371 (VCV000038371.9), dbSNP rs281864923, ClinGen allele CA343004.
Genomic context (GRCh38, chr11:20,601,443, plus strand): 5'-GGCGCAGGCGGCCTCTGCAGCTCTGCGGGACTTGAGAGAGGCGCAAGGCGCGCAGGCCTC[GC>G]CCCCTCCCGGGAGCTCCGGGCCCGGCAACGCGCTGCACTGTAAGATCCCTTTTCTGCGAG-3'

ClinVar aggregate classification (germline): Pathogenic. Review status: criteria provided, multiple submitters, no conflicts (2 of 4 stars). 3 submissions from 3 submitters: Pathogenic (2). 1 of the submissions does not count toward it. Last evaluated 2024-01-19.

Conditions:
Hyperekplexia 3 (HKPX3). Also called: HYPEREKPLEXIA 3, AUTOSOMAL RECESSIVE; HYPEREKPLEXIA 3, AUTOSOMAL DOMINANT. Identifiers: Orphanet 3197, MedGen C3553288, MONDO:0013827, OMIM 614618.

Submissions (3):

Labcorp Genetics (formerly Invitae), Labcorp
Classification: Pathogenic for Hyperekplexia 3. Last evaluated: 2024-01-19. Review status: criteria provided, single submitter. Criteria: Invitae Variant Classification Sherloc (09022015). Collection method: clinical testing. Allele origin: germline.
Comment: This sequence change creates a premature translational stop signal (p.Pro108Leufs*27) in the SLC6A5 gene. It is expected to result in an absent or disrupted protein product. Loss-of-function variants in SLC6A5 are known to be pathogenic (PMID: 14622583, 16751771, 22700964). This variant is present in population databases (rs281864923, gnomAD 0.004%). This premature translational stop signal has been observed in individual(s) with hyperekplexia (PMID: 22700964). In at least one individual the data is consistent with being in trans (on the opposite chromosome) from a pathogenic variant. This variant is also known as DeltaC [319‚Äì323] (P108L + fs25). ClinVar contains an entry for this variant (Variation ID: 38371). For these reasons, this variant has been classified as Pathogenic.

Baylor Genetics
Classification: Pathogenic for Hyperekplexia 3. Last evaluated: 2022-05-11. Review status: criteria provided, single submitter. Criteria: ACMG Guidelines, 2015. Collection method: clinical testing. Allele origin: unknown.

GeneReviews
Classification: Pathogenic for Hyperekplexia. Last evaluated: 2012-10-04. Review status: no assertion criteria provided. Collection method: curation. Allele origin: unknown. Not counted in ClinVar's aggregate classification.
ClinVar note: Converted during submission from pathologic to Pathogenic.

Literature cited by the submitters: PubMed 14622583 (cited by Labcorp Genetics (formerly Invitae), Labcorp); PubMed 16751771 (cited by Labcorp Genetics (formerly Invitae), Labcorp); PubMed 22700964 (cited by Labcorp Genetics (formerly Invitae), Labcorp).